The following is an entry in ClinVar:

NM_002103.5(GYS1):c.766ACT[3] (p.Thr257_Val258insThr)

Gene: GYS1 (glycogen synthase 1; minus strand). Cytogenetic location: 19q13.33.
Variant type: Microsatellite.
Coding change: c.766ACT[3] on transcript NM_002103.5 (MANE Select); three copies in a row of the 3-base unit ACT starting at c.766; the reference has two copies in a row; one copy, 3 bases duplicated.
Protein change: p.Thr257_Val258insThr.
Molecular consequence: inframe insertion. On other transcripts: non-coding transcript variant (1).
Genome position (GRCh38, 1-based): chr19:48,985,513-48,985,515, AGT duplicated on the plus strand (ACT on the coding strand, the reverse complement: GYS1 is on the minus strand); duplicating any 3 consecutive bases within chr19:48,985,513-48,985,518 gives the same sequence; the position shown is the placement nearest the transcript's 3' end. VCF-style (leftmost placement, unchanged base first): chr19-48985512-C-CAGT. GRCh37 (hg19) VCF-style: chr19-49488769-C-CAGT.
Other names: c.574ACT[3], p.Thr193_Val194insThr (NM_001161587.2).
Identifiers: ClinVar variation 4535349 (VCV004535349.6).
Genomic context (GRCh38, chr19:48,985,512, plus strand): 5'-AGCCCCTACCTGGTTTCCTCTTGAGCAAGTGCTGTGCCTCGATGGCGGTGATCTGGGACA[C>CAGT]AGTAGTGAAGACGTGAGCGCAGTGGGCTGCCGCCCTTTCCATGCAGTATCGGTGGTAGAT-3'

ClinVar aggregate classification (germline): Uncertain significance (1 of 4 stars; one submission).

Submission:

CeGaT Center for Human Genetics Tuebingen
Classification: Uncertain significance. Last evaluated: 2025-11-01. Review status: criteria provided, single submitter. Criteria: CeGaT Center For Human Genetics Tuebingen Variant Classification Criteria Version 2. Collection method: clinical testing. Allele origin: germline. Affected: yes. Observed: 1 variant allele.
Comment: GYS1: PM2, PM4:Supporting